The following is an entry in ClinVar:

ClinVar aggregate classification (germline): Uncertain significance (1 of 4 stars; one submission).

Conditions:
Hereditary spastic paraplegia 47. Also called: CEREBRAL PALSY, SPASTIC QUADRIPLEGIC, 5; adaptor protein 4 (AP-4) deficiency syndrome; Spastic paraplegia 47, autosomal recessive. Identifiers: Orphanet 280763, MedGen C3279738, MONDO:0013551, OMIM 614066.

Allele frequency attached by ClinVar (database versions not stated): gnomAD exomes 0.00003 and 0.00002; ExAC 0.00004; TOPMed 0.00001; gnomAD 0.00001.
gnomAD v4.1: 44 of 1,614,142 alleles (0.0027%); highest among the groups gnomAD compares: Non-Finnish European, 0.0036%; no homozygotes.

Submission:

Labcorp Genetics (formerly Invitae), Labcorp
Classification: Uncertain significance for Hereditary spastic paraplegia 47. Last evaluated: 2022-06-06. Review status: criteria provided, single submitter. Criteria: Invitae Variant Classification Sherloc (09022015). Collection method: clinical testing. Allele origin: germline.
Comment: Algorithms developed to predict the effect of missense changes on protein structure and function are either unavailable or do not agree on the potential impact of this missense change (SIFT: "Deleterious"; PolyPhen-2: "Benign"; Align-GVGD: "Class C0"). ClinVar contains an entry for this variant (Variation ID: 240687). This variant has not been reported in the literature in individuals affected with AP4B1-related conditions. This variant is present in population databases (rs779319072, gnomAD 0.004%). This sequence change replaces glutamic acid, which is acidic and polar, with lysine, which is basic and polar, at codon 582 of the AP4B1 protein (p.Glu582Lys). In summary, the available evidence is currently insufficient to determine the role of this variant in disease. Therefore, it has been classified as a Variant of Uncertain Significance.

NM_001253852.3(AP4B1):c.1744G>A (p.Glu582Lys)

Genes: AP4B1 (adaptor related protein complex 4 subunit beta 1; minus strand), AP4B1-AS1 (AP4B1 antisense RNA 1; plus strand). Cytogenetic location: 1p13.2.
Variant type: single nucleotide variant.
Coding change: c.1744G>A on transcript NM_001253852.3 (MANE Select); coding-DNA position 1744, G replaced by A.
Protein change: p.Glu582Lys; replaces glutamic acid 582 with lysine.
Molecular consequence: missense variant.
Genome position (GRCh38, 1-based): chr1:113,895,805, C>T on the plus strand (G>A on the coding strand, the complement: AP4B1 is on the minus strand). VCF-style: chr1-113895805-C-T. GRCh37 (hg19) VCF-style: chr1-114438427-C-T.
Other names: c.1447G>A, p.Glu483Lys (NM_001253853.3); c.1240G>A, p.Glu414Lys (NM_001308312.2); c.1744G>A, p.Glu582Lys (NM_006594.5); short protein forms E582K, E414K, E483K.
Identifiers: ClinVar variation 240687 (VCV000240687.8), dbSNP rs779319072, ClinGen allele CA1015727.